The following is an entry in ClinVar:

NM_001256545.2(MEGF10):c.2196A>G (p.Lys732=)

Gene: MEGF10 (multiple EGF like domains 10; plus strand). Cytogenetic location: 5q23.2.
Variant type: single nucleotide variant.
Coding change: c.2196A>G on transcript NM_001256545.2 (MANE Select); coding-DNA position 2196, A replaced by G.
Protein change: p.Lys732=; no amino-acid change (lysine 732 retained).
Molecular consequence: synonymous variant.
Genome position (GRCh38, 1-based): chr5:127,438,530, A>G. VCF-style: chr5-127438530-A-G. GRCh37 (hg19) VCF-style: chr5-126774222-A-G.
Other names: c.2196A>G, p.Lys732= (NM_032446.3).
Identifiers: ClinVar variation 4856034 (VCV004856034.1).

ClinVar aggregate classification (germline): Uncertain significance (1 of 4 stars; one submission).

Conditions:
MEGF10-related disorder. Also called: MEGF10-related condition.

Submission:

3billion
Classification: Uncertain significance for MEGF10-related disorder. Last evaluated: 2025-07-29. Review status: criteria provided, single submitter. Criteria: ACMG Guidelines, 2015. Collection method: clinical testing. Allele origin: germline. Affected: yes.
Comment: The variant is not observed in the gnomAD v4.1.0 dataset. Predicted Consequence/Location: Synonymous variant In silico tools predict the variant to alter splicing and produce an abnormal transcript [SpliceAI: 0.31 (>=0.2, moderate evidence for spliceogenicity)]. Therefore, this variant is classified as VUS according to the recommendation of ACMG/AMP guideline.